The following is an entry in ClinVar:

ClinVar aggregate classification (germline): Pathogenic (1 of 4 stars; one submission).

Conditions:
Familial cancer of breast. Also called: BREAST CANCER, FAMILIAL; Hereditary breast cancer; hereditary breast carcinoma. Identifiers: Orphanet 227535, MedGen C0346153, MONDO:0016419, OMIM 114480. Disease mechanism: loss of function.

Submission:

Myriad Genetics, Inc.
Classification: Pathogenic for Familial cancer of breast. Last evaluated: 2026-08-10. Review status: criteria provided, single submitter. Criteria: Myriad Autosomal Dominant, Autosomal Recessive and X-Linked Classification Criteria (2023). Collection method: clinical testing. Allele origin: unknown.
Comment: This variant is considered pathogenic. This variant creates a frameshift predicted to result in premature protein truncation.

NM_007194.4(CHEK2):c.91_94delinsATATCCAGTCCCTCTACCCAAGTCCCAAGGCATGCCCAGTC (p.Ser31fs)

Gene: CHEK2 (checkpoint kinase 2; minus strand). Cytogenetic location: 22q12.1.
Variant type: Indel.
Coding change: c.91_94delinsATATCCAGTCCCTCTACCCAAGTCCCAAGGCATGCCCAGTC on transcript NM_007194.4 (MANE Select); coding-DNA positions 91 to 94, the reference bases replaced by an inserted sequence.
Protein change: p.Ser31fs; shifts the reading frame from serine 31.
Molecular consequence: frameshift variant. On other transcripts: intron variant (1), 5 prime UTR variant (1).
Genome position (GRCh38, 1-based): chr22:28,734,628-28,734,631, 4 bases replaced. GRCh37 (hg19): chr22:29,130,616-29,130,619.
Other names: c.91_94delinsATATCCAGTCCCTCTACCCAAGTCCCAAGGCATGCCCAGTC, p.Ser31fs (NM_001349956.3, NM_001438293.1, NM_001438294.1 and 3 more transcripts); c.-345+7138_-345+7141delinsATATCCAGTCCCTCTACCCAAGTCCCAAGGCATGCCCAGTC (NM_001437942.1); c.-687_-684delinsATATCCAGTCCCTCTACCCAAGTCCCAAGGCATGCCCAGTC (NM_001257387.3); short protein forms S31fs.
Identifiers: ClinVar variation 5042244 (VCV005042244.1).